The following is an entry in ClinVar:

ClinVar aggregate classification (germline): Likely pathogenic (0 of 4 stars; one submission).

Conditions:
ZNFX1-related disorder. Also called: ZNFX1-related condition.

Allele frequency attached by ClinVar (database versions not stated): gnomAD exomes below 0.00001.

Submission:

PreventionGenetics, part of Exact Sciences
Classification: Likely pathogenic for ZNFX1-related condition. Last evaluated: 2023-12-20. Review status: no assertion criteria provided. Collection method: clinical testing. Allele origin: germline.
Comment: The ZNFX1 c.3313-2_3313-1delAG variant is predicted to result in a deletion affecting a canonical splice site. To our knowledge, this variant has not been reported in the literature or in a large population database, indicating this variant is rare. This variant is predicted to impact splicing and variants that lead to loss of ZNFX1 protein function are expected to be pathogenic. This variant is interpreted as likely pathogenic.

NM_021035.3(ZNFX1):c.3313-2_3313-1del

Gene: ZNFX1 (zinc finger NFX1-type containing 1; minus strand). Cytogenetic location: 20q13.13.
Variant type: Deletion.
Coding change: c.3313-2_3313-1del on transcript NM_021035.3 (MANE Select); the canonical splice acceptor site of the intron before coding-DNA position 3313, 2 bases deleted (AG; older notation c.3313-2_3313-1delAG).
Molecular consequence: splice acceptor variant.
Genome position (GRCh38, 1-based): chr20:49,249,712-49,249,713, CT deleted on the plus strand (AG on the coding strand, the reverse complement: ZNFX1 is on the minus strand). VCF-style (leftmost placement, unchanged base first): chr20-49249711-CCT-C. GRCh37 (hg19) VCF-style: chr20-47866248-CCT-C.
Identifiers: ClinVar variation 3047510 (VCV003047510.2), dbSNP rs2516765924, ClinGen allele CA2577423041.